The following is an entry in ClinVar:

ClinVar aggregate classification (germline): Uncertain significance (1 of 4 stars; one submission).

Conditions:
Cardiovascular phenotype. Identifiers: MedGen CN230736.

Submission:

Ambry Genetics
Classification: Uncertain significance for Cardiovascular phenotype. Last evaluated: 2020-03-31. Review status: criteria provided, single submitter. Criteria: Ambry Variant Classification Scheme 2023. Collection method: clinical testing. Allele origin: germline.
Comment: The p.I550V variant (also known as c.1648A>G), located in coding exon 15 of the PRKAG2 gene, results from an A to G substitution at nucleotide position 1648. The isoleucine at codon 550 is replaced by valine, an amino acid with highly similar properties. Another alteration affecting the same amino acid, p.I550L (c.1648A>C), has been reported in a hypertrophic cardiomyopathy (HCM) cohort (Walsh R et al. Genet. Med., 2017 02;19:192-203). This amino acid position is highly conserved in available vertebrate species. In addition, the in silico prediction for this alteration is inconclusive. Since supporting evidence is limited at this time, the clinical significance of this alteration remains unclear.

Literature cited by the submitters: PubMed 27532257.

NM_016203.4(PRKAG2):c.1648A>G (p.Ile550Val)

Gene: PRKAG2 (protein kinase AMP-activated non-catalytic subunit gamma 2; minus strand). Cytogenetic location: 7q36.1.
Variant type: single nucleotide variant.
Coding change: c.1648A>G on transcript NM_016203.4 (MANE Select); coding-DNA position 1648, A replaced by G.
Protein change: p.Ile550Val; replaces isoleucine 550 with valine.
Molecular consequence: missense variant.
Genome position (GRCh38, 1-based): chr7:151,560,554, T>C on the plus strand (A>G on the coding strand, the complement: PRKAG2 is on the minus strand). VCF-style: chr7-151560554-T-C. GRCh37 (hg19) VCF-style: chr7-151257640-T-C.
Other names: c.1516A>G, p.Ile506Val (NM_001040633.2, NM_001407024.1); c.1273A>G, p.Ile425Val (NM_001304527.2, NM_001407029.1); c.925A>G, p.Ile309Val (NM_001304531.2, NM_001407034.1, NM_001407035.1 and 1 more transcripts); c.1276A>G, p.Ile426Val (NM_001363698.2, NM_001407028.1); c.1648A>G, p.Ile550Val (NM_001407021.1); c.1645A>G, p.Ile549Val (NM_001407022.1, NM_001407023.1); c.1513A>G, p.Ile505Val (NM_001407026.1, NM_001407027.1); c.1360A>G, p.Ile454Val (NM_001407030.1); and 6 more; short protein forms I309V, I325V, I442V, I454V, I550V, I426V, I444V, I453V.
Identifiers: ClinVar variation 1777184 (VCV001777184.2), dbSNP rs752198913, ClinGen allele CA370070288.